The following is an entry in ClinVar:

ClinVar aggregate classification (germline): Uncertain significance. Review status: criteria provided, multiple submitters, no conflicts (2 of 4 stars). 2 submissions from 2 submitters: Uncertain significance (2). Last evaluated 2025-11-18.

Conditions:
Hereditary cancer-predisposing syndrome. Also called: Neoplastic Syndromes, Hereditary; Tumor predisposition; Hereditary Cancer Syndrome; Hereditary neoplastic syndrome. Identifiers: Orphanet 140162, MedGen C0027672, MeSH D009386, MONDO:0015356.
Neuroblastoma, susceptibility to, 3. Also called: ALK-Related Neuroblastic Tumor Susceptibility. Identifiers: Orphanet 635, MedGen C2751681, MONDO:0013083, OMIM 613014.

Allele frequency attached by ClinVar (database versions not stated): gnomAD exomes below 0.00001; TOPMed below 0.00001.
gnomAD v4.1: 1 of 1,613,270 alleles (0.000062%); highest among the groups gnomAD compares: African/African-American, 0.0013%; no homozygotes.

Submissions (2):

Labcorp Genetics (formerly Invitae), Labcorp
Classification: Uncertain significance for Neuroblastoma, susceptibility to, 3. Last evaluated: 2025-11-18. Review status: criteria provided, single submitter. Criteria: Invitae Variant Classification Sherloc (09022015). Collection method: clinical testing. Allele origin: germline.
Comment: This sequence change replaces glutamic acid, which is acidic and polar, with glycine, which is neutral and non-polar, at codon 152 of the ALK protein (p.Glu152Gly). This variant is not present in population databases (gnomAD no frequency). This variant has not been reported in the literature in individuals affected with ALK-related conditions. ClinVar contains an entry for this variant (Variation ID: 538215). An algorithm developed to predict the effect of missense changes on protein structure and function (PolyPhen-2) suggests that this variant is likely to be tolerated. In summary, the available evidence is currently insufficient to determine the role of this variant in disease. Therefore, it has been classified as a Variant of Uncertain Significance.

Ambry Genetics
Classification: Uncertain significance for Hereditary cancer-predisposing syndrome. Last evaluated: 2025-09-11. Review status: criteria provided, single submitter. Criteria: Ambry Variant Classification Scheme 2023. Collection method: clinical testing. Allele origin: germline.
Comment: The p.E152G variant (also known as c.455A>G), located in coding exon 1 of the ALK gene, results from an A to G substitution at nucleotide position 455. The glutamic acid at codon 152 is replaced by glycine, an amino acid with similar properties. This amino acid position is conserved. In addition, this alteration is predicted to be tolerated by in silico analysis. Since supporting evidence is limited at this time, the clinical significance of this alteration remains unclear.

NM_004304.5(ALK):c.455A>G (p.Glu152Gly)

Gene: ALK (ALK receptor tyrosine kinase; minus strand). Cytogenetic location: 2p23.1.
Variant type: single nucleotide variant.
Coding change: c.455A>G on transcript NM_004304.5 (MANE Select); coding-DNA position 455, A replaced by G.
Protein change: p.Glu152Gly; replaces glutamic acid 152 with glycine.
Molecular consequence: missense variant.
Genome position (GRCh38, 1-based): chr2:29,920,205, T>C on the plus strand (A>G on the coding strand, the complement: ALK is on the minus strand). VCF-style: chr2-29920205-T-C. GRCh37 (hg19) VCF-style: chr2-30143071-T-C.
Other names: short protein forms E152G.
Identifiers: ClinVar variation 538215 (VCV000538215.11), dbSNP rs1553380301, ClinGen allele CA346590009.